The following is an entry in ClinVar:

NM_144997.7(FLCN):c.1223A>G (p.Gln408Arg)

Gene: FLCN (folliculin; minus strand). Cytogenetic location: 17p11.2.
Variant type: single nucleotide variant.
Coding change: c.1223A>G on transcript NM_144997.7 (MANE Select); coding-DNA position 1223, A replaced by G.
Protein change: p.Gln408Arg; replaces glutamine 408 with arginine.
Molecular consequence: missense variant.
Genome position (GRCh38, 1-based): chr17:17,216,457, T>C on the plus strand (A>G on the coding strand, the complement: FLCN is on the minus strand). VCF-style: chr17-17216457-T-C. GRCh37 (hg19) VCF-style: chr17-17119771-T-C.
Other names: c.1223A>G (LRG_325t1); c.1277A>G, p.Gln426Arg (NM_001353229.2); c.1223A>G, p.Gln408Arg (NM_001353230.2, NM_001353231.2); short protein forms Q408R, Q426R.
Identifiers: ClinVar variation 529985 (VCV000529985.7), dbSNP rs1172104668, ClinGen allele CA398531854.

ClinVar aggregate classification (germline): Uncertain significance. Review status: criteria provided, multiple submitters, no conflicts (2 of 4 stars). 2 submissions from 2 submitters: Uncertain significance (2). Last evaluated 2024-09-28.

Conditions:
Birt-Hogg-Dube syndrome. Also called: Birt Hogg Dubé syndrome. Identifiers: Orphanet 122, MedGen C0346010, MONDO:0800444.
Hereditary cancer-predisposing syndrome. Also called: Neoplastic Syndromes, Hereditary; Hereditary neoplastic syndrome; Tumor predisposition; Hereditary Cancer Syndrome. Identifiers: Orphanet 140162, MedGen C0027672, MeSH D009386, MONDO:0015356.

Allele frequency attached by ClinVar (database versions not stated): gnomAD 0.00001; TOPMed 0.00001.
gnomAD v4.1: 1 of 1,613,776 alleles (0.000062%); highest among the groups gnomAD compares: Non-Finnish European, 0.000085%; no homozygotes.

Submissions (2):

Labcorp Genetics (formerly Invitae), Labcorp
Classification: Uncertain significance for Birt-Hogg-Dube syndrome. Last evaluated: 2024-09-28. Review status: criteria provided, single submitter. Criteria: Invitae Variant Classification Sherloc (09022015). Collection method: clinical testing. Allele origin: germline.
Comment: This sequence change replaces glutamine, which is neutral and polar, with arginine, which is basic and polar, at codon 408 of the FLCN protein (p.Gln408Arg). This variant is not present in population databases (gnomAD no frequency). This variant has not been reported in the literature in individuals affected with FLCN-related conditions. ClinVar contains an entry for this variant (Variation ID: 529985). Invitae Evidence Modeling of protein sequence and biophysical properties (such as structural, functional, and spatial information, amino acid conservation, physicochemical variation, residue mobility, and thermodynamic stability) indicates that this missense variant is not expected to disrupt FLCN protein function with a negative predictive value of 80%. In summary, the available evidence is currently insufficient to determine the role of this variant in disease. Therefore, it has been classified as a Variant of Uncertain Significance.

Ambry Genetics
Classification: Uncertain significance for Hereditary cancer-predisposing syndrome. Last evaluated: 2023-03-05. Review status: criteria provided, single submitter. Criteria: Ambry Variant Classification Scheme 2023. Collection method: clinical testing. Allele origin: germline.
Comment: The p.Q408R variant (also known as c.1223A>G), located in coding exon 8 of the FLCN gene, results from an A to G substitution at nucleotide position 1223. The glutamine at codon 408 is replaced by arginine, an amino acid with highly similar properties. This amino acid position is conserved. In addition, this alteration is predicted to be tolerated by in silico analysis. Since supporting evidence is limited at this time, the clinical significance of this alteration remains unclear.